The following is an entry in ClinVar:

NM_002834.5(PTPN11):c.1696A>T (p.Thr566Ser)

Gene: PTPN11 (protein tyrosine phosphatase non-receptor type 11; plus strand). Cytogenetic location: 12q24.13.
Variant type: single nucleotide variant.
Coding change: c.1696A>T on transcript NM_002834.5 (MANE Select); coding-DNA position 1696, A replaced by T.
Protein change: p.Thr566Ser; replaces threonine 566 with serine.
Molecular consequence: missense variant.
Genome position (GRCh38, 1-based): chr12:112,502,240, A>T. VCF-style: chr12-112502240-A-T. GRCh37 (hg19) VCF-style: chr12-112940044-A-T.
Other names: c.1708A>T, p.Thr570Ser (NM_001330437.2); c.1693A>T, p.Thr565Ser (NM_001374625.1); short protein forms T566S, T570S, T565S.
Identifiers: ClinVar variation 561900 (VCV000561900.18), dbSNP rs746712068, ClinGen allele CA6798836.
Genomic context (GRCh38, chr12:112,502,240, plus strand): 5'-AAGTATTCTCTAGCGGACCAGACGAGTGGAGATCAGAGCCCTCTCCCGCCTTGTACTCCA[A>T]CGCCACCCTGTGCAGAGTAAGTAGTGCTGAAGGAAATTCTTTTTACCTGGTCATGGTGGT-3'
Protein context (NP_002825.3, residues 556-576): DQSPLPPCTP[Thr566Ser]PPCAEMREDS

ClinVar aggregate classification (germline): Uncertain significance. Review status: criteria provided, multiple submitters, no conflicts (2 of 4 stars). 6 submissions from 6 submitters: Uncertain significance (6). Last evaluated 2025-09-04.

Conditions:
Cardiovascular phenotype. Identifiers: MedGen CN230736.
Noonan syndrome and Noonan-related syndrome. Identifiers: Orphanet 98733, MedGen C5681679, MONDO:0020297.
RASopathy. Also called: Noonan spectrum disorder; rasopathies. Identifiers: Orphanet 536391, MedGen C5555857, MONDO:0021060.
Premature ventricular contraction. Also called: Ventricular extrasystoles. Identifiers: MedGen C0151636, HP:0006682.

Allele frequency attached by ClinVar (database versions not stated): gnomAD 0.00001; TOPMed 0.00003.
gnomAD v4.1: 17 of 1,612,856 alleles (0.0011%); highest among the groups gnomAD compares: Admixed American, 0.0033%; no homozygotes.

Submissions (6):

Labcorp Genetics (formerly Invitae), Labcorp
Classification: Uncertain significance for RASopathy. Last evaluated: 2025-09-04. Review status: criteria provided, single submitter. Criteria: Invitae Variant Classification Sherloc (09022015). Collection method: clinical testing. Allele origin: germline.
Comment: This sequence change replaces threonine, which is neutral and polar, with serine, which is neutral and polar, at codon 566 of the PTPN11 protein (p.Thr566Ser). This variant is present in population databases (rs746712068, gnomAD 0.005%). This variant has not been reported in the literature in individuals affected with PTPN11-related conditions. ClinVar contains an entry for this variant (Variation ID: 561900). Invitae Evidence Modeling of protein sequence and biophysical properties (such as structural, functional, and spatial information, amino acid conservation, physicochemical variation, residue mobility, and thermodynamic stability) indicates that this missense variant is not expected to disrupt PTPN11 protein function with a negative predictive value of 95%. In summary, the available evidence is currently insufficient to determine the role of this variant in disease. Therefore, it has been classified as a Variant of Uncertain Significance.

Ambry Genetics
Classification: Uncertain significance for Cardiovascular phenotype. Last evaluated: 2025-08-05. Review status: criteria provided, single submitter. Criteria: Ambry Variant Classification Scheme 2023. Collection method: clinical testing. Allele origin: germline.

Blueprint Genetics
Classification: Uncertain significance. Last evaluated: 2021-12-28. Review status: criteria provided, single submitter. Criteria: ACMG Guidelines, 2015. Collection method: clinical testing. Allele origin: germline.

Center for Advanced Laboratory Medicine, UC San Diego Health, University of California San Diego
Classification: Uncertain significance for Premature ventricular contraction. Last evaluated: 2019-01-10. Review status: criteria provided, single submitter. Criteria: ACMG Guidelines, 2015. Collection method: clinical testing. Allele origin: germline. Affected: yes. Observed: 1 variant allele.

GeneDx
Classification: Uncertain significance. Last evaluated: 2018-06-12. Review status: criteria provided, single submitter. Criteria: GeneDx Variant Classification (06012015). Collection method: clinical testing. Allele origin: germline. Affected: yes.
Comment: The T566S variant has not been published as a pathogenic variant, nor has it been reported as a benign variant to our knowledge. The variant is observed in 1/18870 (0.005%) alleles from individuals of East Asian background in the ExAC dataset (Lek et al., 2016). T566S is a conservative amino acid substitution, which is not likely to impact secondary protein structure as these residues share similar properties. In-silico analyses, including protein predictors and evolutionary conservation, support that this variant does not alter protein structure/function. A single missense variant in a nearby residue (T564A) has been reported in the Human Gene Mutation Database in association with a RASopathy (Stenson et al., 2014). In summary, based on the currently available information, it is unclear whether this variant is pathogenic or a rare benign variant.

Genome Diagnostics Laboratory, The Hospital for Sick Children
Classification: Uncertain significance for Noonan syndrome and Noonan-related syndrome. Last evaluated: 2017-02-02. Review status: criteria provided, single submitter. Criteria: ACMG Guidelines, 2015. Collection method: clinical testing. Allele origin: germline.